The following is an entry in ClinVar:

ClinVar aggregate classification (germline): Likely pathogenic (1 of 4 stars; one submission).

Conditions:
Pheochromocytoma/paraganglioma syndrome 5. Also called: Paragangliomas 5; SDHA-Related Hereditary Paraganglioma-Pheochromocytoma Syndrome. Identifiers: Orphanet 29072, MedGen C3279992, MONDO:0013602, OMIM 614165.
Mitochondrial complex II deficiency, nuclear type 1. Also called: SUCCINATE CoQ REDUCTASE DEFICIENCY. Identifiers: Orphanet 3208, MedGen C5700310, MONDO:0100294, OMIM 252011.

Submission:

Labcorp Genetics (formerly Invitae), Labcorp
Classification: Likely pathogenic for Pheochromocytoma/paraganglioma syndrome 5; Mitochondrial complex II deficiency, nuclear type 1. Last evaluated: 2022-03-20. Review status: criteria provided, single submitter. Criteria: Invitae Variant Classification Sherloc (09022015). Collection method: clinical testing. Allele origin: germline.
Comment: In summary, the currently available evidence indicates that the variant is pathogenic, but additional data are needed to prove that conclusively. Therefore, this variant has been classified as Likely Pathogenic. Algorithms developed to predict the effect of sequence changes on RNA splicing suggest that this variant may disrupt the consensus splice site. This variant has not been reported in the literature in individuals affected with SDHA-related conditions. This variant is not present in population databases (gnomAD no frequency). This sequence change affects a splice site in intron 7 of the SDHA gene. It is expected to disrupt RNA splicing. Variants that disrupt the donor or acceptor splice site typically lead to a loss of protein function (PMID: 16199547), and loss-of-function variants in SDHA are known to be pathogenic (PMID: 22974104, 24781757).

Literature cited by the submitters: PubMed 16199547; PubMed 22974104; PubMed 24781757.

NM_004168.4(SDHA):c.896-2del

Gene: SDHA (succinate dehydrogenase complex flavoprotein subunit A; plus strand). Cytogenetic location: 5p15.33.
Variant type: Deletion.
Coding change: c.896-2del on transcript NM_004168.4 (MANE Select); the canonical splice acceptor site of the intron before coding-DNA position 896, one base deleted (A; older notation c.896-2delA).
Molecular consequence: splice acceptor variant.
Genome position (GRCh38, 1-based): chr5:233,475, A deleted. VCF-style (leftmost placement, unchanged base first): chr5-233474-CA-C. GRCh37 (hg19) VCF-style: chr5-233589-CA-C.
Other names: c.896-2del (NM_001330758.2); c.752-2del (NM_001294332.2).
Identifiers: ClinVar variation 2115084 (VCV002115084.4), dbSNP rs2477348187, ClinGen allele CA2580073097.